The following is an entry in ClinVar:

NM_017654.4(SAMD9):c.4664C>T (p.Pro1555Leu)

Gene: SAMD9 (sterile alpha motif domain containing 9; minus strand). Cytogenetic location: 7q21.2.
Variant type: single nucleotide variant.
Coding change: c.4664C>T on transcript NM_017654.4 (MANE Select); coding-DNA position 4664, C replaced by T.
Protein change: p.Pro1555Leu; replaces proline 1555 with leucine.
Molecular consequence: missense variant.
Genome position (GRCh38, 1-based): chr7:93,101,434, G>A on the plus strand (C>T on the coding strand, the complement: SAMD9 is on the minus strand). VCF-style: chr7-93101434-G-A. GRCh37 (hg19) VCF-style: chr7-92730747-G-A.
Other names: c.4664C>T, p.Pro1555Leu (NM_001193307.2); short protein forms P1555L.
Identifiers: ClinVar variation 4159117 (VCV004159117.1).

ClinVar aggregate classification (germline): Uncertain significance (1 of 4 stars; one submission).

Conditions:
Inborn genetic diseases. Identifiers: MedGen C0950123, MeSH D030342.

Submission:

Ambry Genetics
Classification: Uncertain significance for Inborn genetic diseases. Last evaluated: 2025-08-01. Review status: criteria provided, single submitter. Criteria: Ambry Variant Classification Scheme 2023. Collection method: clinical testing. Allele origin: germline.
Comment: The p.P1555L variant (also known as c.4664C>T), located in coding exon 1 of the SAMD9 gene, results from a C to T substitution at nucleotide position 4664. The proline at codon 1555 is replaced by leucine, an amino acid with similar properties. This amino acid position is conserved. In addition, this alteration is predicted to be tolerated by in silico analysis. Based on the available evidence, the clinical significance of this variant remains unclear.